The following is an entry in ClinVar:

NM_000321.3(RB1):c.264G>C (p.Leu88Phe)

Gene: RB1 (RB transcriptional corepressor 1; plus strand). Cytogenetic location: 13q14.2.
Variant type: single nucleotide variant.
Coding change: c.264G>C on transcript NM_000321.3 (MANE Select); coding-DNA position 264, G replaced by C.
Protein change: p.Leu88Phe; replaces leucine 88 with phenylalanine.
Molecular consequence: missense variant.
Genome position (GRCh38, 1-based): chr13:48,307,406, G>C. VCF-style: chr13-48307406-G-C. GRCh37 (hg19) VCF-style: chr13-48881542-G-C.
Other names: short protein forms L88F.
Identifiers: ClinVar variation 955862 (VCV000955862.9), dbSNP rs1952090786, ClinGen allele CA388250699.

ClinVar aggregate classification (germline): Uncertain significance (1 of 4 stars; one submission).

Conditions:
Retinoblastoma (RB1). Also called: RETINOBLASTOMA, SOMATIC. Identifiers: Orphanet 790, MedGen C0035335, MeSH D012175, MONDO:0008380, OMIM 180200, HP:0009919. Disease mechanism: loss of function. Inheritance: Both sporadic and heritable forms are tested..

Submission:

Labcorp Genetics (formerly Invitae), Labcorp
Classification: Uncertain significance for Retinoblastoma. Last evaluated: 2021-07-26. Review status: criteria provided, single submitter. Criteria: Invitae Variant Classification Sherloc (09022015). Collection method: clinical testing. Allele origin: germline.
Comment: This sequence change replaces leucine with phenylalanine at codon 88 of the RB1 protein (p.Leu88Phe). The leucine residue is moderately conserved and there is a small physicochemical difference between leucine and phenylalanine. This variant also falls at the last nucleotide of exon 2 of the RB1 coding sequence, which is part of the consensus splice site for this exon. This variant is not present in population databases (ExAC no frequency). This variant has not been reported in the literature in individuals with RB1-related conditions. Algorithms developed to predict the effect of missense changes on protein structure and function (SIFT, PolyPhen-2, Align-GVGD) all suggest that this variant is likely to be tolerated, but these predictions have not been confirmed by published functional studies and their clinical significance is uncertain. Nucleotide substitutions within the consensus splice site are a relatively common cause of aberrant splicing (PMID: 17576681, 9536098). Algorithms developed to predict the effect of sequence changes on RNA splicing suggest that this variant may disrupt the consensus splice site, but this prediction has not been confirmed by published transcriptional studies. In summary, the available evidence is currently insufficient to determine the role of this variant in disease. Therefore, it has been classified as a Variant of Uncertain Significance.

Literature cited by the submitters: PubMed 17576681; PubMed 9536098.